The following is an entry in ClinVar:

GRCh37/hg19 4p16.1(chr4:9827438-10939900)

Genes: CLNK (cytokine dependent hematopoietic cell linker; minus strand), SLC2A9 (solute carrier family 2 member 9; minus strand), WDR1 (WD repeat domain 1; minus strand), ZNF518B (zinc finger protein 518B; minus strand). Cytogenetic location: 4p16.1.
Variant type: copy number gain.
Identifiers: ClinVar variation 625783 (VCV000625783.1).

ClinVar aggregate classification (germline): Pathogenic (1 of 4 stars; one submission).

Submission:

Baylor Genetics
Classification: Pathogenic. Last evaluated: 2018-11-01. Review status: criteria provided, single submitter. Criteria: ACMG CNV Guidelines, 2011. Collection method: clinical testing. Allele origin: de novo. Observed: 1 variant allele.